The following is an entry in ClinVar:

NM_000195.5(HPS1):c.1771A>T (p.Arg591Ter)

Gene: HPS1 (HPS1 biogenesis of lysosomal organelles complex 3 subunit 1; minus strand). Cytogenetic location: 10q24.2.
Variant type: single nucleotide variant.
Coding change: c.1771A>T on transcript NM_000195.5 (MANE Select); coding-DNA position 1771, A replaced by T.
Protein change: p.Arg591Ter; replaces arginine 591 with a stop codon.
Molecular consequence: nonsense.
Genome position (GRCh38, 1-based): chr10:98,420,131, T>A on the plus strand (A>T on the coding strand, the complement: HPS1 is on the minus strand). VCF-style: chr10-98420131-T-A. GRCh37 (hg19) VCF-style: chr10-100179888-T-A.
Other names: c.799A>T, p.Arg267Ter (NM_001311345.2, NM_001322487.2, NM_001322489.2); c.1771A>T, p.Arg591Ter (NM_001322476.2, NM_001322477.2); c.1672A>T, p.Arg558Ter (NM_001322478.2, NM_001322479.2); c.1510A>T, p.Arg504Ter (NM_001322480.2, NM_001322481.2); c.1411A>T, p.Arg471Ter (NM_001322482.2); c.1402A>T, p.Arg468Ter (NM_001322483.2, NM_001322484.2); c.1303A>T, p.Arg435Ter (NM_001322485.2); short protein forms R267*, R435*, R468*, R471*, R504*, R558*, R591*.
Identifiers: ClinVar variation 2676055 (VCV002676055.5), dbSNP rs1040121123, ClinGen allele CA378043627.

ClinVar aggregate classification (germline): Pathogenic/Likely pathogenic. Review status: criteria provided, multiple submitters, no conflicts (2 of 4 stars). 3 submissions from 3 submitters: Pathogenic (2); Likely pathogenic (1). Last evaluated 2025-09-25.

Conditions:
Hermansky-Pudlak syndrome 1 (HPS1). Also called: DELTA STORAGE POOL DISEASE. Identifiers: Orphanet 231500, Orphanet 79430, MedGen C2931875, MONDO:0008748, OMIM 203300.

Submissions (3):

Myriad Genetics, Inc.
Classification: Pathogenic for Hermansky-Pudlak syndrome 1. Last evaluated: 2025-09-25. Review status: criteria provided, single submitter. Criteria: Myriad Autosomal Dominant, Autosomal Recessive and X-Linked Classification Criteria (2023). Collection method: clinical testing. Allele origin: unknown.
Comment: NM_000195.3(HPS1):c.1771A>T(R591*) is expected to be pathogenic in the context of Hermansky-Pudlak syndrome, HPS1-related. This variant is predicted to lead to an abnormal or absent protein product due to the creation of a premature termination codon in HPS1, a gene where loss-of-function variants are known to be pathogenic. Please note: this variant was assessed in the context of healthy population screening.

Labcorp Genetics (formerly Invitae), Labcorp
Classification: Pathogenic. Last evaluated: 2024-01-02. Review status: criteria provided, single submitter. Criteria: Invitae Variant Classification Sherloc (09022015). Collection method: clinical testing. Allele origin: germline.
Comment: This sequence change creates a premature translational stop signal (p.Arg591*) in the HPS1 gene. It is expected to result in an absent or disrupted protein product. Loss-of-function variants in HPS1 are known to be pathogenic (PMID: 12442288, 16185271). This variant is not present in population databases (gnomAD no frequency). This variant has not been reported in the literature in individuals affected with HPS1-related conditions. For these reasons, this variant has been classified as Pathogenic.

Baylor Genetics
Classification: Likely pathogenic for Hermansky-Pudlak syndrome 1. Last evaluated: 2023-02-02. Review status: criteria provided, single submitter. Criteria: ACMG Guidelines, 2015. Collection method: clinical testing. Allele origin: unknown.

Literature cited by the submitters: PubMed 12442288 (cited by Labcorp Genetics (formerly Invitae), Labcorp); PubMed 16185271 (cited by Labcorp Genetics (formerly Invitae), Labcorp).